The following is an entry in ClinVar:

NM_001252024.2(TRPM1):c.1032G>C (p.Lys344Asn)

Gene: TRPM1 (transient receptor potential cation channel subfamily M member 1; minus strand). Cytogenetic location: 15q13.3.
Variant type: single nucleotide variant.
Coding change: c.1032G>C on transcript NM_001252024.2 (MANE Select); coding-DNA position 1032, G replaced by C.
Protein change: p.Lys344Asn; replaces lysine 344 with asparagine.
Molecular consequence: missense variant.
Genome position (GRCh38, 1-based): chr15:31,062,636, C>G on the plus strand (G>C on the coding strand, the complement: TRPM1 is on the minus strand). VCF-style: chr15-31062636-C-G. GRCh37 (hg19) VCF-style: chr15-31354839-C-G.
Other names: c.1083G>C, p.Lys361Asn (NM_001252020.2); c.966G>C, p.Lys322Asn (NM_002420.6); short protein forms K322N, K344N, K361N.
Identifiers: ClinVar variation 1022588 (VCV001022588.8), dbSNP rs2034263980, ClinGen allele CA391525388.

ClinVar aggregate classification (germline): Uncertain significance (1 of 4 stars; one submission).

gnomAD v4.1: 1 of 1,613,978 alleles (0.000062%); highest among the groups gnomAD compares: South Asian, 0.0011%; no homozygotes.

Submission:

Labcorp Genetics (formerly Invitae), Labcorp
Classification: Uncertain significance. Last evaluated: 2022-03-10. Review status: criteria provided, single submitter. Criteria: Invitae Variant Classification Sherloc (09022015). Collection method: clinical testing. Allele origin: germline.
Comment: ClinVar contains an entry for this variant (Variation ID: 1022588). This variant has not been reported in the literature in individuals affected with TRPM1-related conditions. This variant is not present in population databases (gnomAD no frequency). This sequence change replaces lysine, which is basic and polar, with asparagine, which is neutral and polar, at codon 322 of the TRPM1 protein (p.Lys322Asn). Algorithms developed to predict the effect of missense changes on protein structure and function (SIFT, PolyPhen-2, Align-GVGD) all suggest that this variant is likely to be tolerated. In summary, the available evidence is currently insufficient to determine the role of this variant in disease. Therefore, it has been classified as a Variant of Uncertain Significance.